The following is an entry in ClinVar:

ClinVar aggregate classification (germline): Uncertain significance (1 of 4 stars; one submission).

Conditions:
NR0B2-related disorder. Also called: NR0B2-related condition.

gnomAD v4.1: 13 of 1,614,090 alleles (0.00081%); highest among the groups gnomAD compares: African/African-American, 0.0027%; no homozygotes.

Submission:

PreventionGenetics, part of Exact Sciences
Classification: Uncertain significance for NR0B2-related condition. Last evaluated: 2025-10-29. Review status: criteria provided, single submitter. Criteria: ACMG Guidelines, 2015. Collection method: clinical testing. Allele origin: germline.
Comment: The NR0B2 c.620G>A variant is predicted to result in the amino acid substitution p.Cys207Tyr. To our knowledge, this variant has not been reported in the literature or in a large population database, indicating this variant is rare. At this time, the clinical significance of this variant is uncertain due to the absence of conclusive functional and genetic evidence.

NM_021969.3(NR0B2):c.620G>A (p.Cys207Tyr)

Genes: NR0B2 (nuclear receptor subfamily 0 group B member 2; minus strand), NUDC (nuclear distribution C, dynein complex regulator; plus strand). Cytogenetic location: 1p36.11.
Variant type: single nucleotide variant.
Coding change: c.620G>A on transcript NM_021969.3 (MANE Select); coding-DNA position 620, G replaced by A.
Protein change: p.Cys207Tyr; replaces cysteine 207 with tyrosine.
Molecular consequence: missense variant.
Genome position (GRCh38, 1-based): chr1:26,911,999, C>T on the plus strand (G>A on the coding strand, the complement: NR0B2 is on the minus strand). VCF-style: chr1-26911999-C-T. GRCh37 (hg19) VCF-style: chr1-27238490-C-T.
Other names: short protein forms C207Y.
Identifiers: ClinVar variation 3353972 (VCV003353972.2).